The following is an entry in ClinVar:

ClinVar aggregate classification (germline): Uncertain significance (1 of 4 stars; one submission).

Submission:

Labcorp Genetics (formerly Invitae), Labcorp
Classification: Uncertain significance. Last evaluated: 2022-10-24. Review status: criteria provided, single submitter. Criteria: Invitae Variant Classification Sherloc (09022015). Collection method: clinical testing. Allele origin: germline.
Comment: This sequence change results in a frameshift in the NDUFS3 gene (p.Ser251Argfs*37). While this is not anticipated to result in nonsense mediated decay, it is expected to disrupt the last 14 amino acid(s) of the NDUFS3 protein and extend the protein by 22 additional amino acid residues. This variant is present in population databases (rs760008502, gnomAD 0.002%). This variant has not been reported in the literature in individuals affected with NDUFS3-related conditions. Experimental studies and prediction algorithms are not available or were not evaluated, and the functional significance of this variant is currently unknown. In summary, the available evidence is currently insufficient to determine the role of this variant in disease. Therefore, it has been classified as a Variant of Uncertain Significance.

NM_004551.3(NDUFS3):c.751_752dup (p.Ser251fs)

Gene: NDUFS3 (NADH:ubiquinone oxidoreductase core subunit S3; plus strand). Cytogenetic location: 11p11.2.
Variant type: Microsatellite.
Coding change: c.751_752dup on transcript NM_004551.3 (MANE Select); coding-DNA positions 751 to 752, 2 bases duplicated (AG; older notation c.751_752dupAG).
Protein change: p.Ser251fs; shifts the reading frame from serine 251.
Molecular consequence: frameshift variant.
Genome position (GRCh38, 1-based): chr11:47,584,437-47,584,438, AG duplicated; duplicating any 2 consecutive bases within chr11:47,584,434-47,584,438 gives the same sequence; the c. name uses the placement nearest the transcript's 3' end. VCF-style (leftmost placement, unchanged base first): chr11-47584433-G-GGA. GRCh37 (hg19) VCF-style: chr11-47605985-G-GGA.
Other names: short protein forms S251fs.
Identifiers: ClinVar variation 1506065 (VCV001506065.3), dbSNP rs760008502, ClinGen allele CA5978088.
Genomic context (GRCh38, chr11:47,584,433, plus strand): 5'-GTTCCGCAAATTTGACCTGAACAGCCCCTGGGAGGCTTTCCCAGTCTATCGCCAACCCCC[G>GGA]GAGAGTCTCAAGCTTGAAGCCGGAGACAAGAAGCCTGATGCCAAGTAGCTCCAGGGAACG-3'